The following is an entry in ClinVar:

ClinVar aggregate classification (germline): Uncertain significance (1 of 4 stars; one submission).

Conditions:
Myopathy, tubular aggregate, 2 (TAM2). Identifiers: MedGen C4014557, MONDO:0014383, OMIM 615883.
Combined immunodeficiency due to ORAI1 deficiency. Also called: IMMUNODEFICIENCY 9. Identifiers: Orphanet 169090, Orphanet 317428, MedGen C2748568, MONDO:0013007, OMIM 612782.

Allele frequency attached by ClinVar (database versions not stated): gnomAD exomes below 0.00001.

Submission:

Labcorp Genetics (formerly Invitae), Labcorp
Classification: Uncertain significance for Myopathy, tubular aggregate, 2; Combined immunodeficiency due to ORAI1 deficiency. Last evaluated: 2024-09-23. Review status: criteria provided, single submitter. Criteria: Invitae Variant Classification Sherloc (09022015). Collection method: clinical testing. Allele origin: germline.
Comment: This sequence change replaces phenylalanine, which is neutral and non-polar, with leucine, which is neutral and non-polar, at codon 246 of the ORAI1 protein (p.Phe246Leu). This variant is not present in population databases (gnomAD no frequency). This variant has not been reported in the literature in individuals affected with ORAI1-related conditions. Experimental studies and prediction algorithms are not available or were not evaluated, and the functional significance of this variant is currently unknown. In summary, the available evidence is currently insufficient to determine the role of this variant in disease. Therefore, it has been classified as a Variant of Uncertain Significance.

NM_032790.4(ORAI1):c.736T>C (p.Phe246Leu)

Gene: ORAI1 (ORAI calcium release-activated calcium modulator 1; plus strand). Cytogenetic location: 12q24.31.
Variant type: single nucleotide variant.
Coding change: c.736T>C on transcript NM_032790.4 (MANE Select); coding-DNA position 736, T replaced by C.
Protein change: p.Phe246Leu; replaces phenylalanine 246 with leucine.
Molecular consequence: missense variant. On other transcripts: non-coding transcript variant (1).
Genome position (GRCh38, 1-based): chr12:121,641,473, T>C. VCF-style: chr12-121641473-T-C. GRCh37 (hg19) VCF-style: chr12-122079379-T-C.
Other names: short protein forms F246L.
Identifiers: ClinVar variation 2927424 (VCV002927424.3), dbSNP rs2503544429, ClinGen allele CA386984322.
Genomic context (GRCh38, chr12:121,641,473, plus strand): 5'-ACCAGCGGCATCACCCCGGGCCAGGCAGCTGCCATCGCCTCGACCACCATCATGGTGCCC[T>C]TCGGCCTGATCTTTATCGTCTTCGCCGTCCACTTCTACCGCTCACTGGTTAGCCATAAGA-3'
Protein context (NP_116179.2, residues 236-256): AIASTTIMVP[Phe246Leu]GLIFIVFAVH